The following is an entry in ClinVar:

NM_000053.4(ATP7B):c.3008C>A (p.Ala1003Glu)

Gene: ATP7B (ATPase copper transporting beta; minus strand). Cytogenetic location: 13q14.3.
Variant type: single nucleotide variant.
Coding change: c.3008C>A on transcript NM_000053.4 (MANE Select); coding-DNA position 3008, C replaced by A.
Protein change: p.Ala1003Glu; replaces alanine 1003 with glutamic acid.
Molecular consequence: missense variant. On other transcripts: intron variant (6).
Genome position (GRCh38, 1-based): chr13:51,946,336, G>T on the plus strand (C>A on the coding strand, the complement: ATP7B is on the minus strand). VCF-style: chr13-51946336-G-T. GRCh37 (hg19) VCF-style: chr13-52520472-G-T.
Other names: c.2387C>A, p.Ala796Glu (NM_001005918.3); c.2675C>A, p.Ala892Glu (NM_001243182.2); c.2774C>A, p.Ala925Glu (NM_001330578.2, NM_001406527.1, NM_001406528.1 and 1 more transcripts); c.2756C>A, p.Ala919Glu (NM_001330579.2, NM_001406531.1, NM_001406532.1); c.3008C>A, p.Ala1003Glu (NM_001406511.1, NM_001406512.1, NM_001406513.1 and 2 more transcripts); c.2975C>A, p.Ala992Glu (NM_001406514.1); c.2954C>A, p.Ala985Glu (NM_001406515.1, NM_001406516.1); c.2912C>A, p.Ala971Glu (NM_001406517.1, NM_001406518.1); and 18 more; short protein forms A1003E, A573E, A787E, A796E, A809E, A841E, A860E, A887E.
Identifiers: ClinVar variation 3907284 (VCV003907284.1).

ClinVar aggregate classification (germline): Uncertain significance (1 of 4 stars; one submission).

Submission:

Women's Health and Genetics/Laboratory Corporation of America, LabCorp
Classification: Uncertain significance. Last evaluated: 2025-06-09. Review status: criteria provided, single submitter. Criteria: LabCorp Variant Classification Summary - May 2015. Collection method: clinical testing. Allele origin: germline.
Comment: Variant summary: ATP7B c.3008C>A (p.Ala1003Glu) results in a non-conservative amino acid change in the encoded protein sequence. Algorithms developed to predict the effect of missense changes on protein structure and function all suggest that this variant is likely to be disruptive. The variant was absent in 240390 control chromosomes. c.3008C>A has been observed in one individual affected with Wilson Disease (Liu_2022). These report(s) do not provide unequivocal conclusions about association of the variant with Wilson Disease. A different variant affecting the same codon has been classified as pathogenic by our lab (c.3007G>A,p.Ala1003Val), supporting the critical relevance of codon 1003 to ATP7B protein function. To our knowledge, no experimental evidence demonstrating an impact on protein function has been reported. The following publication has been ascertained in the context of this evaluation (PMID: 35446965). No submitters have cited clinical-significance assessments for this variant to ClinVar. Based on the evidence outlined above, the variant was classified as VUS-possibly pathogenic.

Literature cited by the submitters: PubMed 35446965.